The following is an entry in ClinVar:

ClinVar aggregate classification (germline): Pathogenic (1 of 4 stars; one submission).

Conditions:
Bloom syndrome (BLM). Also called: Bloom-Torre-Machacek syndrome. Identifiers: Orphanet 125, MedGen C0005859, MONDO:0008876, OMIM 210900.

Submission:

Labcorp Genetics (formerly Invitae), Labcorp
Classification: Pathogenic for Bloom syndrome. Last evaluated: 2021-10-22. Review status: criteria provided, single submitter. Criteria: Invitae Variant Classification Sherloc (09022015). Collection method: clinical testing. Allele origin: germline.
Comment: This sequence change creates a premature translational stop signal (p.Ser1252Tyrfs*26) in the BLM gene. It is expected to result in an absent or disrupted protein product. Loss-of-function variants in BLM are known to be pathogenic (PMID: 17407155). This variant is not present in population databases (ExAC no frequency). This variant has not been reported in the literature in individuals affected with BLM-related conditions. For these reasons, this variant has been classified as Pathogenic.

Literature cited by the submitters: PubMed 17407155.

NM_000057.4(BLM):c.3755_3758del (p.Ser1252fs)

Gene: BLM (BLM RecQ like helicase; plus strand). Cytogenetic location: 15q26.1.
Variant type: Deletion.
Coding change: c.3755_3758del on transcript NM_000057.4 (MANE Select); coding-DNA positions 3755 to 3758, 4 bases deleted (CTTT; older notation c.3755_3758delCTTT).
Protein change: p.Ser1252fs; shifts the reading frame from serine 1252.
Molecular consequence: frameshift variant.
Genome position (GRCh38, 1-based): chr15:90,809,140-90,809,143, CTTT deleted; deleting any 4 consecutive bases within chr15:90,809,139-90,809,143 gives the same sequence; the c. name uses the placement nearest the transcript's 3' end. VCF-style (leftmost placement, unchanged base first): chr15-90809138-ATCTT-A. GRCh37 (hg19) VCF-style: chr15-91352368-ATCTT-A.
Other names: c.3755_3758del, p.Ser1252fs (NM_001287246.2); c.3362_3365del, p.Ser1121fs (NM_001287247.2); c.2630_2633del, p.Ser877fs (NM_001287248.2); short protein forms S1252fs, S1121fs, S877fs.
Identifiers: ClinVar variation 1457905 (VCV001457905.6), dbSNP rs2151198261, ClinGen allele CA2573151423.